The following is an entry in ClinVar:

NM_032638.5(GATA2):c.1023C>A (p.Ala341=)

Gene: GATA2 (GATA binding protein 2; minus strand). Cytogenetic location: 3q21.3.
Variant type: single nucleotide variant.
Coding change: c.1023C>A on transcript NM_032638.5 (MANE Select); coding-DNA position 1023, C replaced by A.
Protein change: p.Ala341=; no amino-acid change (alanine 341 retained).
Molecular consequence: synonymous variant. On other transcripts: intron variant (1).
Genome position (GRCh38, 1-based): chr3:128,481,939, G>T on the plus strand (C>A on the coding strand, the complement: GATA2 is on the minus strand). VCF-style: chr3-128481939-G-T. GRCh37 (hg19) VCF-style: chr3-128200782-G-T.
Other names: c.1023C>A, p.Ala341= (NM_001145661.2); c.1018-37C>A (NM_001145662.1); c.1023C>A (NM_032638.4).
Identifiers: ClinVar variation 1617385 (VCV001617385.9), dbSNP rs376360090, ClinGen allele CA435525621.

ClinVar aggregate classification (germline): Conflicting classifications of pathogenicity. Review status: criteria provided, conflicting classifications (1 of 4 stars). 2 submissions from 2 submitters: Uncertain significance (1); Likely benign (1). Last evaluated 2025-04-07.

Conditions:
Inborn genetic diseases. Identifiers: MedGen C0950123, MeSH D030342.
Deafness-lymphedema-leukemia syndrome. Also called: Lymphedema, primary, with myelodysplasia; Emberger syndrome. Identifiers: Orphanet 3226, MedGen C3279664, MONDO:0013540, OMIM 614038.
Monocytopenia with susceptibility to infections. Also called: MONOCYTOPENIA AND MYCOBACTERIAL INFECTION SYNDROME; MONOCYTOPENIA WITH SUSCEPTIBILITY TO MYCOBACTERIAL, FUNGAL, AND PAPILLOMAVIRUS INFECTIONS AND MYELODYSPLASIA; COMBINED IMMUNODEFICIENCY WITH SUSCEPTIBILITY TO MYCOBACTERIAL, VIRAL, AND FUNGAL INFECTIONS; Dendritic cell, monocyte, B lymphocyte, and natural killer lymphocyte deficiency; IMMUNODEFICIENCY 21; GATA2 DEFICIENCY. Identifiers: Orphanet 228423, MedGen C3280030, MONDO:0013607, OMIM 614172.

gnomAD v4.1: 5 of 1,613,362 alleles (0.00031%); highest among the groups gnomAD compares: Non-Finnish European, 0.00042%; no homozygotes.

Submissions (2):

Ambry Genetics
Classification: Uncertain significance for Inborn genetic diseases. Last evaluated: 2025-04-07. Review status: criteria provided, single submitter. Criteria: Ambry Variant Classification Scheme 2023. Collection method: clinical testing. Allele origin: germline.
Comment: The c.1023C>A variant (also known as p.A341A), located in coding exon 4 of the GATA2 gene, results from a C to A substitution at nucleotide position 1023. This nucleotide substitution does not change the alanine at codon 341. This nucleotide position is poorly conserved in available vertebrate species. In silico splice site analysis for this alteration is inconclusive. Based on the available evidence, the clinical significance of this variant remains unclear.

Labcorp Genetics (formerly Invitae), Labcorp
Classification: Likely benign for Monocytopenia with susceptibility to infections; Deafness-lymphedema-leukemia syndrome. Last evaluated: 2023-05-01. Review status: criteria provided, single submitter. Criteria: Invitae Variant Classification Sherloc (09022015). Collection method: clinical testing. Allele origin: germline.

Literature cited by the submitters: PubMed 32555368 (cited by Ambry Genetics).